The following is an entry in ClinVar:

NM_015386.3(COG4):c.40C>A (p.Leu14Met)

Gene: COG4 (component of oligomeric golgi complex 4; minus strand). Cytogenetic location: 16q22.1.
Variant type: single nucleotide variant.
Coding change: c.40C>A on transcript NM_015386.3 (MANE Select); coding-DNA position 40, C replaced by A.
Protein change: p.Leu14Met; replaces leucine 14 with methionine.
Molecular consequence: missense variant. On other transcripts: 5 prime UTR variant (1), non-coding transcript variant (1).
Genome position (GRCh38, 1-based): chr16:70,523,504, G>T on the plus strand (C>A on the coding strand, the complement: COG4 is on the minus strand). VCF-style: chr16-70523504-G-T. GRCh37 (hg19) VCF-style: chr16-70557407-G-T.
Other names: c.28C>A, p.Leu10Met (NM_001195139.2); c.-560C>A (NM_001365426.1); short protein forms L10M, L14M.
Identifiers: ClinVar variation 3659051 (VCV003659051.2).
Genomic context (GRCh38, chr16:70,523,504, plus strand): 5'-CGGAGATTTCGGAGCAGCGGCCACCTCCCACCCCCTCAGACGGCTGCTGCACCCCTGACA[G>T]CTTCGGAGGCGAATCAAGGTCCGCCATCTTGGTCCCCATTCGGCACTTCCGGTCCCGCGA-3'
Protein context (NP_056201.2, residues 4-24): KMADLDSPPK[Leu14Met]SGVQQPSEGV

ClinVar aggregate classification (germline): Uncertain significance (1 of 4 stars; one submission).

Conditions:
COG4-congenital disorder of glycosylation. Also called: COG4-CDG; CONGENITAL DISORDER OF GLYCOSYLATION, TYPE IIj; CDG IIj. Identifiers: Orphanet 263501, MedGen C4303552, MONDO:0013281, OMIM 613489.

gnomAD v4.1: 9 of 1,613,966 alleles (0.00056%); highest among the groups gnomAD compares: African/African-American, 0.011%; no homozygotes.

Submission:

Labcorp Genetics (formerly Invitae), Labcorp
Classification: Uncertain significance for COG4-congenital disorder of glycosylation. Last evaluated: 2025-06-16. Review status: criteria provided, single submitter. Criteria: Invitae Variant Classification Sherloc (09022015). Collection method: clinical testing. Allele origin: germline.
Comment: This sequence change replaces leucine, which is neutral and non-polar, with methionine, which is neutral and non-polar, at codon 14 of the COG4 protein (p.Leu14Met). This variant is present in population databases (rs372428018, gnomAD 0.03%). This variant has not been reported in the literature in individuals affected with COG4-related conditions. ClinVar contains an entry for this variant (Variation ID: 3659051). An algorithm developed to predict the effect of missense changes on protein structure and function (PolyPhen-2) suggests that this variant is likely to be tolerated. In summary, the available evidence is currently insufficient to determine the role of this variant in disease. Therefore, it has been classified as a Variant of Uncertain Significance.